The following is an entry in ClinVar:

NM_013432.5(TONSL):c.169C>T (p.Arg57Trp)

Gene: TONSL (tonsoku like, DNA repair protein; minus strand). Cytogenetic location: 8q24.3.
Variant type: single nucleotide variant.
Coding change: c.169C>T on transcript NM_013432.5 (MANE Select); coding-DNA position 169, C replaced by T.
Protein change: p.Arg57Trp; replaces arginine 57 with tryptophan.
Molecular consequence: missense variant.
Genome position (GRCh38, 1-based): chr8:144,443,977, G>A on the plus strand (C>T on the coding strand, the complement: TONSL is on the minus strand). VCF-style: chr8-144443977-G-A. GRCh37 (hg19) VCF-style: chr8-145669360-G-A.
Other names: short protein forms R57W.
Identifiers: ClinVar variation 1920047 (VCV001920047.2), dbSNP rs758569108, ClinGen allele CA4943692.
Genomic context (GRCh38, chr8:144,443,977, plus strand): 5'-GGCGCTCTCCGATCTTGCGGTGGGCCACGGCACAGCCCAGAGGGTCGTCAGCGCGCTCCC[G>A]AAGCTGCAGCTCCTGCCAGTGCTGCTCCAGAGCCTCGGCGTAGCGGCCTAGGCGGGGGCA-3'
Protein context (NP_038460.4, residues 47-67): LEQHWQELQL[Arg57Trp]ERADDPLGCA

ClinVar aggregate classification (germline): Uncertain significance (1 of 4 stars; one submission).

Allele frequency attached by ClinVar (database versions not stated): gnomAD 0.00001; TOPMed 0.00001; ExAC 0.00008.

Submission:

Labcorp Genetics (formerly Invitae), Labcorp
Classification: Uncertain significance. Last evaluated: 2022-03-13. Review status: criteria provided, single submitter. Criteria: Invitae Variant Classification Sherloc (09022015). Collection method: clinical testing. Allele origin: germline.
Comment: This sequence change replaces arginine, which is basic and polar, with tryptophan, which is neutral and slightly polar, at codon 57 of the TONSL protein (p.Arg57Trp). This variant is present in population databases (rs758569108, gnomAD 0.004%). This variant has not been reported in the literature in individuals affected with TONSL-related conditions. Algorithms developed to predict the effect of missense changes on protein structure and function are either unavailable or do not agree on the potential impact of this missense change (SIFT: "Tolerated"; PolyPhen-2: "Possibly Damaging"; Align-GVGD: "Class C0"). In summary, the available evidence is currently insufficient to determine the role of this variant in disease. Therefore, it has been classified as a Variant of Uncertain Significance.